The following is an entry in ClinVar:

ClinVar aggregate classification (germline): Uncertain significance (1 of 4 stars; one submission).

Conditions:
TRIOBP-related disorder. Also called: TRIOBP-related condition.

gnomAD v4.1: 145 of 1,612,108 alleles (0.009%); highest among the groups gnomAD compares: East Asian, 0.074%; no homozygotes.

Submission:

PreventionGenetics, part of Exact Sciences
Classification: Uncertain significance for TRIOBP-related condition. Last evaluated: 2025-02-19. Review status: criteria provided, single submitter. Criteria: ACMG Guidelines, 2015. Collection method: clinical testing. Allele origin: germline.
Comment: The TRIOBP c.208G>A variant is predicted to result in the amino acid substitution p.Gly70Ser. To our knowledge, this variant has not been reported in the literature. This variant is reported in 0.12% of alleles in individuals of East Asian descent in gnomAD. Although we suspect that this variant may be benign, at this time, the clinical significance of this variant is uncertain due to the absence of conclusive functional and genetic evidence.

NM_001039141.3(TRIOBP):c.208G>A (p.Gly70Ser)

Gene: TRIOBP (TRIO and F-actin binding protein; plus strand). Cytogenetic location: 22q13.1.
Variant type: single nucleotide variant.
Coding change: c.208G>A on transcript NM_001039141.3 (MANE Select); coding-DNA position 208, G replaced by A.
Protein change: p.Gly70Ser; replaces glycine 70 with serine.
Molecular consequence: missense variant.
Genome position (GRCh38, 1-based): chr22:37,710,520, G>A. VCF-style: chr22-37710520-G-A. GRCh37 (hg19) VCF-style: chr22-38106527-G-A.
Other names: short protein forms G70S.
Identifiers: ClinVar variation 4981464 (VCV004981464.1).
Genomic context (GRCh38, chr22:37,710,520, plus strand): 5'-TACTGCGACCTGCCTCGATGTCCACCTGCCCCTGAGGACCCACTCAGCGCCTCAACCTCC[G>A]GCTGCCAGTCTGTGGTGGACCCAGGCCTCAGGCCAGGGCCCAAGAGGTGGGTAGAGTCCC-3'
Protein context (NP_001034230.1, residues 60-80): PEDPLSASTS[Gly70Ser]CQSVVDPGLR